The following is an entry in ClinVar:

NM_001110556.2(FLNA):c.4211A>G (p.Asp1404Gly)

Gene: FLNA (filamin A; minus strand). Cytogenetic location: Xq28.
Variant type: single nucleotide variant.
Coding change: c.4211A>G on transcript NM_001110556.2 (MANE Select); coding-DNA position 4211, A replaced by G.
Protein change: p.Asp1404Gly; replaces aspartic acid 1404 with glycine.
Molecular consequence: missense variant.
Genome position (GRCh38, 1-based): chrX:154,359,338, T>C on the plus strand (A>G on the coding strand, the complement: FLNA is on the minus strand). VCF-style: chrX-154359338-T-C. GRCh37 (hg19) VCF-style: chrX-153587706-T-C.
Other names: c.4211A>G, p.Asp1404Gly (NM_001456.4); short protein forms D1404G.
Identifiers: ClinVar variation 1306496 (VCV001306496.4), dbSNP rs2067686513, ClinGen allele CA415218433.
Genomic context (GRCh38, chrX:154,359,338, plus strand): 5'-AGGCTGTAGGTGCCAGCCTCATAAGGGATGTACTCGACCGAGCAGCTGCCGTCCTTGTTA[T>C]CCATGCAGGACATCTTGGCCTCGGAGGGGCCCTCTACAGCCAGGCCCAGGCCGCCCGTGC-3'
Protein context (NP_001104026.1, residues 1394-1414): GPSEAKMSCM[Asp1404Gly]NKDGSCSVEY

ClinVar aggregate classification (germline): Uncertain significance. Review status: criteria provided, multiple submitters, no conflicts (2 of 4 stars). 3 submissions from 3 submitters: Uncertain significance (3). Last evaluated 2025-06-14.

Conditions:
Oto-palato-digital syndrome, type II (OPD2). Also called: Otopalatodigital Syndrome, Type II; FACIOPALATOOSSEOUS SYNDROME; OPD II SYNDROME; Otopalatodigital Syndrome Type 2 (FLNA-OPD2). Identifiers: Orphanet 669, Orphanet 90652, MedGen C1844696, MONDO:0010571, OMIM 304120.
Melnick-Needles syndrome (MNS). Also called: MELNICK-NEEDLES OSTEODYSPLASTY; OSTEODYSPLASTY OF MELNICK AND NEEDLES; Melnick-Needles Syndrome (FLNA-MNS). Identifiers: Orphanet 2484, MedGen C0025237, MONDO:0010650, OMIM 309350.
Frontometaphyseal dysplasia (FMD1). Identifiers: MONDO:0015942, Orphanet 1826, MedGen C0265293.
Heterotopia, periventricular, X-linked dominant (PVNH1). Also called: X-linked periventricular heterotopia; PERIVENTRICULAR NODULAR HETEROTOPIA 4; HETEROTOPIA, PERIVENTRICULAR, 1; PERIVENTRICULAR NODULAR HETEROTOPIA 1. Identifiers: Orphanet 2149, Orphanet 82004, MedGen C1848213, MONDO:0010233, OMIM 300049.

Allele frequency attached by ClinVar (database versions not stated): gnomAD exomes below 0.00001; gnomAD 0.00001; TOPMed 0.00002.
gnomAD v4.1: 6 of 1,209,822 alleles (0.0005%); highest among the groups gnomAD compares: African/African-American, 0.0017%; no homozygotes.

Submissions (3):

Labcorp Genetics (formerly Invitae), Labcorp
Classification: Uncertain significance for Oto-palato-digital syndrome, type II; Heterotopia, periventricular, X-linked dominant; Frontometaphyseal dysplasia; Melnick-Needles syndrome. Last evaluated: 2025-06-14. Review status: criteria provided, single submitter. Criteria: Invitae Variant Classification Sherloc (09022015). Collection method: clinical testing. Allele origin: germline.
Comment: This sequence change replaces aspartic acid, which is acidic and polar, with glycine, which is neutral and non-polar, at codon 1404 of the FLNA protein (p.Asp1404Gly). This variant is not present in population databases (gnomAD no frequency). This variant has not been reported in the literature in individuals affected with FLNA-related conditions. ClinVar contains an entry for this variant (Variation ID: 1306496). Invitae Evidence Modeling of protein sequence and biophysical properties (such as structural, functional, and spatial information, amino acid conservation, physicochemical variation, residue mobility, and thermodynamic stability) has been performed for this missense variant. However, the output from this modeling did not meet the statistical confidence thresholds required to predict the impact of this variant on FLNA protein function. In summary, the available evidence is currently insufficient to determine the role of this variant in disease. Therefore, it has been classified as a Variant of Uncertain Significance.

Illumina Laboratory Services, Illumina
Classification: Uncertain significance for Oto-palato-digital syndrome, type II. Last evaluated: 2023-09-08. Review status: criteria provided, single submitter. Criteria: ICSLVariantClassificationCriteria RUGD 01 April 2020. Collection method: clinical testing. Allele origin: unknown.
Comment: The FLNA c.4211A>G (p.Asp1404Gly) missense variant has not, to our knowledge, been reported in the peer-reviewed literature. This variant is not observed at a significant frequency in version 2.1.1 or version 3.1.2 of the Genome Aggregation Database. Missense variants in FLNA are a known mechanism of disease (PMID: 12612583; 20301567). Multiple lines of computational evidence suggest the variant may impact the gene or gene product. Based on the available evidence, the c.4211A>G (p.Asp1404Gly) variant is classified as a variant of uncertain significance for otopalatodigital spectrum disorders.

GeneDx
Classification: Uncertain significance. Last evaluated: 2019-06-10. Review status: criteria provided, single submitter. Criteria: GeneDx Variant Classification Process June 2021. Collection method: clinical testing. Allele origin: germline. Affected: yes.
Comment: Not observed in large population cohorts (Lek et al., 2016); In silico analysis, which includes protein predictors and evolutionary conservation, supports a deleterious effect; Has not been previously published as pathogenic or benign to our knowledge